The following is an entry in ClinVar:

ClinVar aggregate classification (germline): Uncertain significance (1 of 4 stars; one submission).

Conditions:
Intellectual disability. Also called: Intellectual functioning disability; Intellectual developmental disorder; intellectual disabilities. Identifiers: MedGen C3714756, MeSH D008607, MONDO:0001071, HP:0001249.

Allele frequency attached by ClinVar (database versions not stated): gnomAD exomes below 0.00001.
gnomAD v4.1: 1 of 1,608,628 alleles (0.000062%); highest among the groups gnomAD compares: African/African-American, 0.0013%; no homozygotes.

Submission:

Labcorp Genetics (formerly Invitae), Labcorp
Classification: Uncertain significance for Intellectual disability. Last evaluated: 2025-07-30. Review status: criteria provided, single submitter. Criteria: Invitae Variant Classification Sherloc (09022015). Collection method: clinical testing. Allele origin: germline.
Comment: This sequence change replaces isoleucine, which is neutral and non-polar, with valine, which is neutral and non-polar, at codon 66 of the GABRB2 protein (p.Ile66Val). This variant is not present in population databases (gnomAD no frequency). This variant has not been reported in the literature in individuals affected with GABRB2-related conditions. ClinVar contains an entry for this variant (Variation ID: 1413518). Invitae Evidence Modeling of protein sequence and biophysical properties (such as structural, functional, and spatial information, amino acid conservation, physicochemical variation, residue mobility, and thermodynamic stability) indicates that this missense variant is not expected to disrupt GABRB2 protein function with a negative predictive value of 95%. In summary, the available evidence is currently insufficient to determine the role of this variant in disease. Therefore, it has been classified as a Variant of Uncertain Significance.

NM_001371727.1(GABRB2):c.196A>G (p.Ile66Val)

Gene: GABRB2 (gamma-aminobutyric acid type A receptor subunit beta2; minus strand). Cytogenetic location: 5q34.
Variant type: single nucleotide variant.
Coding change: c.196A>G on transcript NM_001371727.1 (MANE Select); coding-DNA position 196, A replaced by G.
Protein change: p.Ile66Val; replaces isoleucine 66 with valine.
Molecular consequence: missense variant.
Genome position (GRCh38, 1-based): chr5:161,545,268, T>C on the plus strand (A>G on the coding strand, the complement: GABRB2 is on the minus strand). VCF-style: chr5-161545268-T-C. GRCh37 (hg19) VCF-style: chr5-160972274-T-C.
Other names: c.196A>G, p.Ile66Val (NM_000813.3, NM_021911.3); short protein forms I66V.
Identifiers: ClinVar variation 1413518 (VCV001413518.8), dbSNP rs2113486744, ClinGen allele CA362172458.